The following is an entry in ClinVar:

ClinVar aggregate classification (germline): Pathogenic. Review status: criteria provided, multiple submitters, no conflicts (2 of 4 stars). 2 submissions from 2 submitters: Pathogenic (2). Last evaluated 2023-06-23.

Conditions:
Deficiency of acetyl-CoA acetyltransferase. Also called: MITOCHONDRIAL ACETOACETYL-CoA THIOLASE DEFICIENCY; 3-KETOTHIOLASE DEFICIENCY; 3-OXOTHIOLASE DEFICIENCY; Beta-ketothiolase deficiency. Identifiers: Orphanet 134, MedGen C1536500, MONDO:0008760, OMIM 203750. Disease mechanism: loss of function.

Submissions (2):

Labcorp Genetics (formerly Invitae), Labcorp
Classification: Pathogenic for Deficiency of acetyl-CoA acetyltransferase. Last evaluated: 2023-06-23. Review status: criteria provided, single submitter. Criteria: Invitae Variant Classification Sherloc (09022015). Collection method: clinical testing. Allele origin: germline.
Comment: This variant is not present in population databases (gnomAD no frequency). This sequence change creates a premature translational stop signal (p.Lys373*) in the ACAT1 gene. It is expected to result in an absent or disrupted protein product. Loss-of-function variants in ACAT1 are known to be pathogenic (PMID: 7749408). This premature translational stop signal has been observed in individual(s) with autosomal recessive beta-ketothiolase deficiency (PMID: 34298581). ClinVar contains an entry for this variant (Variation ID: 1172775). For these reasons, this variant has been classified as Pathogenic.

The Laboratory of Genetics and Metabolism, Hunan Children’s Hospital
Classification: Pathogenic for Deficiency of acetyl-CoA acetyltransferase. Last evaluated: 2021-03-06. Review status: criteria provided, single submitter. Criteria: ACMG Guidelines, 2015. Collection method: research. Allele origin: paternal. Affected: yes. Observed: 1 variant allele.
Comment: In compound heterozygosity following autosomal recessive inheritance.

Literature cited by the submitters: PubMed 7749408 (cited by Labcorp Genetics (formerly Invitae), Labcorp); PubMed 34298581 (cited by Labcorp Genetics (formerly Invitae), Labcorp and The Laboratory of Genetics and Metabolism, Hunan Children’s Hospital).

NM_000019.4(ACAT1):c.1117A>T (p.Lys373Ter)

Gene: ACAT1 (acetyl-CoA acetyltransferase 1; plus strand). Cytogenetic location: 11q22.3.
Variant type: single nucleotide variant.
Coding change: c.1117A>T on transcript NM_000019.4 (MANE Select); coding-DNA position 1117, A replaced by T.
Protein change: p.Lys373Ter; replaces lysine 373 with a stop codon.
Molecular consequence: nonsense. On other transcripts: non-coding transcript variant (2).
Genome position (GRCh38, 1-based): chr11:108,146,313, A>T. VCF-style: chr11-108146313-A-T. GRCh37 (hg19) VCF-style: chr11-108017040-A-T.
Other names: c.1117A>T, p.Lys373Ter (NM_001386677.1); c.802A>T, p.Lys268Ter (NM_001386678.1); c.820A>T, p.Lys274Ter (NM_001386679.1); c.847A>T, p.Lys283Ter (NM_001386681.1, NM_001386682.1, NM_001386685.1 and 6 more transcripts); short protein forms K268*, K274*, K283*, K373*.
Identifiers: ClinVar variation 1172775 (VCV001172775.5), dbSNP rs2134791703, ClinGen allele CA382508586.